The following is an entry in ClinVar:

NM_005045.4(RELN):c.2466-7dup

Gene: RELN (reelin; minus strand). Cytogenetic location: 7q22.1.
Variant type: Duplication.
Coding change: c.2466-7dup on transcript NM_005045.4 (MANE Select); 7 bases into the intron before coding-DNA position 2466, one base duplicated (T; older notation c.2466-7dupT).
Molecular consequence: intron variant.
Genome position (GRCh38, 1-based): chr7:103,630,183, A duplicated on the plus strand (T on the coding strand, the reverse complement: RELN is on the minus strand); the first of 11 consecutive A bases (chr7:103,630,183-103,630,193); duplicating any one gives the same sequence. VCF-style (leftmost placement, unchanged base first): chr7-103630182-G-GA. GRCh37 (hg19) VCF-style: chr7-103270629-G-GA.
Other names: p.?; c.2466-7dup (NM_173054.3).
Identifiers: ClinVar variation 195496 (VCV000195496.14), dbSNP rs571882672, ClinGen allele CA201788.

ClinVar aggregate classification (germline): Benign. Review status: criteria provided, multiple submitters, no conflicts (2 of 4 stars). 4 submissions from 4 submitters: Benign (4). Last evaluated 2025-12-08.

Conditions:
Familial temporal lobe epilepsy 7. Identifiers: Orphanet 101046, MedGen C4225327, MONDO:0014639, OMIM 616436.
Norman-Roberts syndrome (LIS2). Also called: Lissencephaly 2 (Norman-Roberts type). Identifiers: Orphanet 89844, MedGen C0796089, MONDO:0009760, OMIM 257320.

Submissions (4):

Labcorp Genetics (formerly Invitae), Labcorp
Classification: Benign for Familial temporal lobe epilepsy 7; Norman-Roberts syndrome. Last evaluated: 2025-12-08. Review status: criteria provided, single submitter. Criteria: Invitae Variant Classification Sherloc (09022015). Collection method: clinical testing. Allele origin: germline.

Mayo Clinic Laboratories, Mayo Clinic
Classification: Benign. Last evaluated: 2023-07-10. Review status: criteria provided, single submitter. Criteria: ACMG Guidelines, 2015. Collection method: clinical testing. Allele origin: germline. Observed: 3 variant alleles.
Comment: BA1

Athena Diagnostics
Classification: Benign. Last evaluated: 2016-10-28. Review status: criteria provided, single submitter. Criteria: Athena Diagnostics Criteria. Collection method: clinical testing. Allele origin: germline.

Eurofins Ntd Llc (ga)
Classification: Benign. Last evaluated: 2014-07-14. Review status: criteria provided, single submitter. Criteria: EGL Classification Definitions. Collection method: clinical testing. Allele origin: germline. Observed: 4 variant alleles, 4 heterozygotes.